The following is an entry in ClinVar:

ClinVar aggregate classification (germline): Likely pathogenic. Review status: criteria provided, single submitter (1 of 4 stars). 3 submissions from 3 submitters: Likely pathogenic (1). 2 of the submissions do not count toward it. Last evaluated 2020-04-13.

Submissions (3):

Mayo Clinic Laboratories, Mayo Clinic
Classification: Likely pathogenic. Last evaluated: 2020-04-13. Review status: criteria provided, single submitter. Criteria: ACMG Guidelines, 2015. Collection method: clinical testing. Allele origin: germline. Observed: 1 variant allele.
Comment: PVS1, PM2

Clinical Genetics DNA and cytogenetics Diagnostics Lab, Erasmus MC, Erasmus Medical Center
Classification: Pathogenic. Review status: no assertion criteria provided. Collection method: clinical testing. Allele origin: germline. Affected: yes. Study: VKGL Data-share Consensus. Not counted in ClinVar's aggregate classification.

Genome Diagnostics Laboratory, University Medical Center Utrecht
Classification: Pathogenic. Review status: no assertion criteria provided. Collection method: clinical testing. Allele origin: germline. Affected: yes. Study: VKGL Data-share Consensus. Not counted in ClinVar's aggregate classification.

NM_000256.3(MYBPC3):c.1791-1G>A

Gene: MYBPC3 (myosin binding protein C3; minus strand). Cytogenetic location: 11p11.2.
Variant type: single nucleotide variant.
Coding change: c.1791-1G>A on transcript NM_000256.3 (MANE Select); the canonical splice acceptor site of the intron before coding-DNA position 1791, G replaced by A.
Molecular consequence: splice acceptor variant.
Genome position (GRCh38, 1-based): chr11:47,341,245, C>T on the plus strand (G>A on the coding strand, the complement: MYBPC3 is on the minus strand). VCF-style: chr11-47341245-C-T. GRCh37 (hg19) VCF-style: chr11-47362796-C-T.
Identifiers: ClinVar variation 1163048 (VCV001163048.7), dbSNP rs2142859427, ClinGen allele CA380324110.